The following continues an entry in ClinVar:

NM_004004.6(GJB2):c.365A>T (p.Lys122Ile)

Gene: GJB2. ClinVar aggregate classification (germline): Pathogenic/Likely pathogenic. Pathogenic (10); Likely pathogenic (6).

Submissions 9 to 19 of 19:

ARUP Laboratories, Molecular Genetics and Genomics, ARUP Laboratories
Classification: Likely pathogenic. Last evaluated: 2019-02-02. Review status: criteria provided, single submitter. Criteria: ARUP Molecular Germline Variant Investigation Process. Collection method: clinical testing. Allele origin: germline.
Comment: The GJB2 c.365A>T; p.Lys122Ile (rs111033295) is reported in the literature in multiple individuals with hearing loss (de la Luz Arenas-Sordo 2012, Green 1999, Lee 2009, Naghavi 2008, Pandya 2007, Prasad 2000, Putcha 2007, Tang 2006), and it has been previously identified by our laboratory in several patients who were referred for hearing loss. Several affected individuals were found to carry an additional pathogenic variant (de la Luz Arenas-Sordo 2012, Lee 2009, Putcha 2007). The p.Lys122Ile variant is classified as pathogenic/likely pathogenic by multiple laboratories in ClinVar (Variant ID: 44742) and it is found in the Latino population with an overall allele frequency of 0.04% (15/34582 alleles) in the Genome Aggregation Database. The lysine at codon 122 is highly conserved and computational analyses (SIFT, PolyPhen-2) predict that this variant is deleterious. Based on the available information, the p.Lys122Ile variant is classified as likely pathogenic. References: de la Luz Arenas-Sordo et al. Unique spectrum of GJB2 mutations in Mexico. Int J Pediatr Otorhinolaryngol. 2012 Nov;76(11):1678-80. doi: 10.1016/j.ijporl.2012.08.005. Epub 2012 Aug 24. Green et al. Carrier rates in the midwestern United States for GJB2 mutations causing inherited deafness. JAMA. 1999 Jun 16;281(23):2211-6. Lee et al. Audiologic and temporal bone imaging findings in patients with sensorineural hearing loss and GJB2 mutations. Laryngoscope. 2009 Mar;119(3):554-8. Naghavi et al. GJB2 mutations in Baluchi population. J Genet. 2008 Aug;87(2):195-7. Pandya et al. Frequency and distribution of GJB2 (connexin 26) and GJB6 (connexin 30) mutations in a large North American repository of deaf probands. Genet Med. 2003 Jul-Aug;5(4):295-303. Prasad et al. Genetic testing for hereditary hearing loss: connexin 26 (GJB2) allele variants and two novel deafness-causing mutations (R32C and 645-648delTAGA). Hum Mutat. 2000 Dec;16(6):502-8. Putcha et al. A multicenter study of the frequency and distribution of GJB2 and GJB6 mutations in a large North American cohort. Genet Med. 2007 Jul;9(7):413-26. Tang et al. DNA sequence analysis of GJB2, encoding connexin 26: observations from a population of hearing impaired cases and variable carrier rates, complex genotypes, and ethnic stratification of alleles among controls. Am J Med Genet A. 2006 Nov 15;140(22):2401-15.

Rady Children's Institute for Genomic Medicine, Rady Children's Hospital San Diego
Classification: Pathogenic for DEAFNESS, AUTOSOMAL DOMINANT 3A. Last evaluated: 2018-11-25. Review status: criteria provided, single submitter. Criteria: ACMG Guidelines, 2015. Collection method: clinical testing. Allele origin: germline. Affected: yes. Observed: 1 variant allele.
Comment: This variant was reported as pathogenic in the compound heterozygous state in patients with Deafness, autosomal recessive 1 (PMID: 25388846 and 10376574). This variant has also been previously reported as a heterozygous change in patients with hearing loss of an unspecified inheritance pattern (PMID: 12865758, 16222667, 17041943, 18776652). It is present in the heterozygous state in the gnomAD population database at a frequency of 0.0053% (13/245106) and thus is presumed to be rare. The c.365A>T (p.Lys122Ile) variant affects a highly conserved amino acid and is predicted by multiple in silico tools to have a deleterious effect on protein function. Based on the available evidence, the c.365A>T (p.Lys122Ile) variant is classified as pathogenic.

Athena Diagnostics
Classification: Pathogenic. Last evaluated: 2018-08-29. Review status: criteria provided, single submitter. Criteria: Athena Diagnostics Criteria. Collection method: clinical testing. Allele origin: germline.
Comment: The best available variant frequency is uninformative because it is below the disease allele frequency. Statistically enriched in patients compared to ethnically matched controls. Predicted to have a damaging effect on the protein. Occurs in three or more cases with a recessive pathogenic variant in the same gene.

Genomic Diagnostic Laboratory, Division of Genomic Diagnostics, Children's Hospital of Philadelphia
Classification: Pathogenic for Deafness, autosomal recessive 1A. Last evaluated: 2017-05-09. Review status: criteria provided, single submitter. Criteria: DGD Variant Analysis Guidelines. Collection method: clinical testing. Allele origin: germline. Affected: yes. Observed: 1 variant allele.

Women's Health and Genetics/Laboratory Corporation of America, LabCorp
Classification: Pathogenic for Autosomal recessive nonsyndromic hearing loss 1A. Last evaluated: 2016-06-01. Review status: criteria provided, single submitter. Criteria: LabCorp Variant Classification Summary - May 2015. Collection method: clinical testing. Allele origin: germline.
Comment: Variant summary: The GJB2 c.365A>T (p.Lys122Ile) variant involves the alteration of a conserved nucleotide. 3/4 in silico tools predict a damaging outcome (SNPs&GO not captured due to low reliability index). This variant was found in 6/121646 control chromosomes at a frequency of 0.0000493, which does not exceed the estimated maximal expected allele frequency of a pathogenic GJB2 variant (0.0003376). This variant has been identified in compound heterozygous state in patients with non-syndromic hearing loss, and is considered pathogenic in the literature. In addition, multiple clinical diagnostic laboratories/reputable databases classified this variant as pathogenic/likely pathogenic. Taken together, this variant is classified as pathogenic.

Genetic Services Laboratory, University of Chicago
Classification: Pathogenic for Hearing impairment. Last evaluated: 2013-02-08. Review status: criteria provided, single submitter. Criteria: ACMG Guidelines, 2007. Collection method: clinical testing. Allele origin: germline. Inheritance: Autosomal recessive inheritance. Affected: yes.

Eurofins Ntd Llc (ga)
Classification: Pathogenic. Last evaluated: 2012-08-09. Review status: criteria provided, single submitter. Criteria: EGL Classification Definitions. Collection method: clinical testing. Allele origin: germline. Observed: 3 variant alleles, 3 heterozygotes.

Laboratory for Molecular Medicine, Mass General Brigham Personalized Medicine
Classification: Likely pathogenic for Rare genetic deafness. Last evaluated: 2012-03-13. Review status: criteria provided, single submitter. Criteria: LMM Criteria. Collection method: clinical testing. Allele origin: germline. Inheritance: Autosomal recessive inheritance. Observed: 4 variant alleles.
Comment: The Lys122Ile variant in GJB2 has been reported in 18 probands with hearing loss and was absent from over 400 control samples (Green 1999, Pandya 2003, Tang 200 6, Naghavi 2008). Therefore, this variant is likely to be pathogenic.

Counsyl
Classification: Likely pathogenic for Autosomal recessive nonsyndromic hearing loss 1A. Last evaluated: 2016-06-24. Review status: no assertion criteria provided. Collection method: clinical testing. Allele origin: unknown. Not counted in ClinVar's aggregate classification.

Counsyl
Classification: Likely pathogenic for Autosomal dominant nonsyndromic hearing loss 3A. Last evaluated: 2016-06-24. Review status: no assertion criteria provided. Collection method: clinical testing. Allele origin: unknown. Not counted in ClinVar's aggregate classification.

Clinical Molecular Genetics Laboratory, Johns Hopkins All Children's Hospital
Classification: Pathogenic for Hearing loss. Last evaluated: 2013-12-19. Review status: no assertion criteria provided. Collection method: clinical testing. Allele origin: germline. Affected: yes. Not counted in ClinVar's aggregate classification.

Literature cited by the submitters: PubMed 10376574 (cited by 6 submitters); PubMed 22925408 (cited by 7 submitters); PubMed 31160754 (cited by 4 submitters); PubMed 19235794 (cited by 7 submitters); PubMed 17666888 (cited by 6 submitters); PubMed 12408072 (cited by 4 submitters); PubMed 26444186 (cited by 3 submitters); PubMed 18776652 (cited by 5 submitters); PubMed 17041943 (cited by 5 submitters); PubMed 16222667 (cited by 6 submitters); PubMed 15365987 (cited by 4 submitters); PubMed 12865758 (cited by 3 submitters); PubMed 11102979 (cited by 3 submitters); PubMed 25388846 (cited by Athena Diagnostics and Counsyl); PubMed 10751669 (cited by Athena Diagnostics and Women's Health and Genetics/Laboratory Corporation of America, LabCorp); PubMed 10704187 (cited by Athena Diagnostics); PubMed 12457340 (cited by Women's Health and Genetics/Laboratory Corporation of America, LabCorp).